The following is an entry in ClinVar:

ClinVar aggregate classification (germline): Pathogenic (1 of 4 stars; one submission).

Submission:

Labcorp Genetics (formerly Invitae), Labcorp
Classification: Pathogenic. Last evaluated: 2018-01-03. Review status: criteria provided, single submitter. Criteria: Invitae Variant Classification Sherloc (09022015). Collection method: clinical testing. Allele origin: germline.
Comment: A gross deletion of the genomic region encompassing the full coding sequence of the GH1 gene has been identified. The boundaries of this event are unknown as the deletion extends beyond the assayed region for this gene and therefore may encompass additional genes. A similar deletion of the GH1 gene has been reported in individuals affected with growth hormone deficiency (PMID: 16355809, 2325087). The GH1 gene is also known as hGH-N in the literature. Loss-of-function variants in GH1 are known to be pathogenic (PMID: 19567534). For these reasons, this variant has been classified as Pathogenic.

Literature cited by the submitters: PubMed 16355809; PubMed 2325087; PubMed 19567534.

NC_000017.10:g.(?_61994669)_(61996136_?)del

Gene: GH1 (growth hormone 1; minus strand). Cytogenetic location: 17q23.3.
Variant type: Deletion.
Identifiers: ClinVar variation 1072683 (VCV001072683.1).